The following is an entry in ClinVar:

NM_002291.3(LAMB1):c.3917T>A (p.Leu1306Gln)

Gene: LAMB1 (laminin subunit beta 1; minus strand). Cytogenetic location: 7q31.1.
Variant type: single nucleotide variant.
Coding change: c.3917T>A on transcript NM_002291.3 (MANE Select); coding-DNA position 3917, T replaced by A.
Protein change: p.Leu1306Gln; replaces leucine 1306 with glutamine.
Molecular consequence: missense variant.
Genome position (GRCh38, 1-based): chr7:107,937,122, A>T on the plus strand (T>A on the coding strand, the complement: LAMB1 is on the minus strand). VCF-style: chr7-107937122-A-T. GRCh37 (hg19) VCF-style: chr7-107577567-A-T.
Other names: short protein forms L1306Q.
Identifiers: ClinVar variation 2750140 (VCV002750140.3), dbSNP rs2535402661, ClinGen allele CA368856208.

ClinVar aggregate classification (germline): Uncertain significance (1 of 4 stars; one submission).

Allele frequency attached by ClinVar (database versions not stated): gnomAD exomes below 0.00001.
gnomAD v4.1: 1 of 1,613,976 alleles (0.000062%); highest among the groups gnomAD compares: Non-Finnish European, 0.000085%; no homozygotes.

Submission:

Labcorp Genetics (formerly Invitae), Labcorp
Classification: Uncertain significance. Last evaluated: 2023-08-14. Review status: criteria provided, single submitter. Criteria: Invitae Variant Classification Sherloc (09022015). Collection method: clinical testing. Allele origin: germline.
Comment: This variant has not been reported in the literature in individuals affected with LAMB1-related conditions. An algorithm developed to predict the effect of missense changes on protein structure and function (PolyPhen-2) suggests that this variant is likely to be disruptive. In summary, the available evidence is currently insufficient to determine the role of this variant in disease. Therefore, it has been classified as a Variant of Uncertain Significance. This sequence change replaces leucine, which is neutral and non-polar, with glutamine, which is neutral and polar, at codon 1306 of the LAMB1 protein (p.Leu1306Gln). This variant is not present in population databases (gnomAD no frequency).